The following is an entry in ClinVar:

ClinVar aggregate classification (germline): Uncertain significance. Review status: criteria provided, single submitter (1 of 4 stars). 2 submissions from 2 submitters: Uncertain significance (1). 1 of the submissions does not count toward it. Last evaluated 2025-01-20.

Conditions:
PIGG-related disorder. Also called: PIGG-related condition.
Intellectual disability, autosomal recessive 53 (NEDHSCA). Also called: GLYCOSYLPHOSPHATIDYLINOSITOL BIOSYNTHESIS DEFECT 13; Mental retardation, autosomal recessive 53; NEURODEVELOPMENTAL DISORDER WITH OR WITHOUT HYPOTONIA, SEIZURES, AND CEREBELLAR ATROPHY. Identifiers: Orphanet 488635, MedGen C4310794, MONDO:0014832, OMIM 616917.

Allele frequency attached by ClinVar (database versions not stated): gnomAD 0.00005 and 0.00006; TOPMed 0.00009.
gnomAD v4.1: 74 of 1,613,274 alleles (0.0046%); highest among the groups gnomAD compares: Admixed American, 0.12%; no homozygotes.

Submissions (2):

Labcorp Genetics (formerly Invitae), Labcorp
Classification: Uncertain significance for Intellectual disability, autosomal recessive 53. Last evaluated: 2025-01-20. Review status: criteria provided, single submitter. Criteria: Invitae Variant Classification Sherloc (09022015). Collection method: clinical testing. Allele origin: germline.
Comment: This sequence change replaces valine, which is neutral and non-polar, with leucine, which is neutral and non-polar, at codon 81 of the PIGG protein (p.Val81Leu). This variant is present in population databases (rs782117894, gnomAD 0.2%). This variant has not been reported in the literature in individuals affected with PIGG-related conditions. ClinVar contains an entry for this variant (Variation ID: 573003). Invitae Evidence Modeling of protein sequence and biophysical properties (such as structural, functional, and spatial information, amino acid conservation, physicochemical variation, residue mobility, and thermodynamic stability) indicates that this missense variant is not expected to disrupt PIGG protein function with a negative predictive value of 80%. In summary, the available evidence is currently insufficient to determine the role of this variant in disease. Therefore, it has been classified as a Variant of Uncertain Significance.

PreventionGenetics, part of Exact Sciences
Classification: Likely benign for PIGG-related condition. Last evaluated: 2024-07-24. Review status: no assertion criteria provided. Collection method: clinical testing. Allele origin: germline. Not counted in ClinVar's aggregate classification.
Comment: This variant is classified as likely benign based on ACMG/AMP sequence variant interpretation guidelines (Richards et al. 2015 PMID: 25741868, with internal and published modifications).

NM_001127178.3(PIGG):c.241G>T (p.Val81Leu)

Gene: PIGG (phosphatidylinositol glycan anchor biosynthesis class G (EMM blood group); plus strand). Cytogenetic location: 4p16.3.
Variant type: single nucleotide variant.
Coding change: c.241G>T on transcript NM_001127178.3 (MANE Select); coding-DNA position 241, G replaced by T.
Protein change: p.Val81Leu; replaces valine 81 with leucine.
Molecular consequence: missense variant. On other transcripts: 5 prime UTR variant (10), non-coding transcript variant (10).
Genome position (GRCh38, 1-based): chr4:500,482, G>T. VCF-style: chr4-500482-G-T. GRCh37 (hg19) VCF-style: chr4-494271-G-T.
Other names: c.-27G>T (NM_001289051.2, NM_001289053.2, NM_001289057.2 and 2 more transcripts); c.241G>T, p.Val81Leu (NM_001289052.2, NM_001345989.2, NM_017733.5); c.-196G>T (NM_001289055.2); c.-647G>T (NM_001345988.2); c.-1385G>T (NM_001345990.2); c.-1247G>T (NM_001345991.2); c.-972G>T (NM_001345994.2); short protein forms V81L.
Identifiers: ClinVar variation 573003 (VCV000573003.9), dbSNP rs782117894, ClinGen allele CA2792941.